The following is an entry in ClinVar:

ClinVar aggregate classification (germline): Uncertain significance. Review status: criteria provided, multiple submitters, no conflicts (2 of 4 stars). 2 submissions from 2 submitters: Uncertain significance (2). Last evaluated 2023-11-14.

Conditions:
Inborn genetic diseases. Identifiers: MedGen C0950123, MeSH D030342.

Allele frequency attached by ClinVar (database versions not stated): TOPMed 0.00003.
gnomAD v4.1: 83 of 1,568,246 alleles (0.0053%); highest among the groups gnomAD compares: Non-Finnish European, 0.0066%; no homozygotes.

Submissions (2):

GeneDx
Classification: Uncertain significance. Last evaluated: 2023-11-14. Review status: criteria provided, single submitter. Criteria: GeneDx Variant Classification Process June 2021. Collection method: clinical testing. Allele origin: germline. Affected: yes.
Comment: In silico analysis supports that this missense variant does not alter protein structure/function; Has not been previously published as pathogenic or benign to our knowledge

Ambry Genetics
Classification: Uncertain significance for Inborn genetic diseases. Last evaluated: 2022-12-15. Review status: criteria provided, single submitter. Criteria: Ambry Variant Classification Scheme 2023. Collection method: clinical testing. Allele origin: germline.

NM_004700.4(KCNQ4):c.194C>T (p.Ser65Leu)

Gene: KCNQ4 (potassium voltage-gated channel subfamily Q member 4; plus strand). Cytogenetic location: 1p34.2.
Variant type: single nucleotide variant.
Coding change: c.194C>T on transcript NM_004700.4 (MANE Select); coding-DNA position 194, C replaced by T.
Protein change: p.Ser65Leu; replaces serine 65 with leucine.
Molecular consequence: missense variant.
Genome position (GRCh38, 1-based): chr1:40,784,287, C>T. VCF-style: chr1-40784287-C-T. GRCh37 (hg19) VCF-style: chr1-41249959-C-T.
Other names: c.194C>T, p.Ser65Leu (NM_172163.3); short protein forms S65L.
Identifiers: ClinVar variation 2383244 (VCV002383244.3), dbSNP rs752032294, ClinGen allele CA794453.